The following is an entry in ClinVar:

NM_002734.5(PRKAR1A):c.35C>G (p.Ala12Gly)

Gene: PRKAR1A (protein kinase cAMP-dependent type I regulatory subunit alpha; plus strand). Cytogenetic location: 17q24.2.
Variant type: single nucleotide variant.
Coding change: c.35C>G on transcript NM_002734.5 (MANE Select); coding-DNA position 35, C replaced by G.
Protein change: p.Ala12Gly; replaces alanine 12 with glycine.
Molecular consequence: missense variant.
Genome position (GRCh38, 1-based): chr17:68,515,434, C>G. VCF-style: chr17-68515434-C-G. GRCh37 (hg19) VCF-style: chr17-66511575-C-G.
Other names: c.35C>G, p.Ala12Gly (NM_001276289.2, NM_001276290.1, NM_001278433.2 and 4 more transcripts); short protein forms A12G.
Identifiers: ClinVar variation 660751 (VCV000660751.14), dbSNP rs1292133703, ClinGen allele CA400751830.

ClinVar aggregate classification (germline): Uncertain significance. Review status: criteria provided, multiple submitters, no conflicts (2 of 4 stars). 3 submissions from 3 submitters: Uncertain significance (3). Last evaluated 2024-05-06.

Conditions:
Carney complex, type 1 (CNC1). Also called: CARNEY MYXOMA-ENDOCRINE COMPLEX; CARNEY COMPLEX, TYPE I. Identifiers: Orphanet 1359, MedGen C2607929, MONDO:0008057, OMIM 160980.
Hereditary cancer-predisposing syndrome. Also called: Neoplastic Syndromes, Hereditary; Tumor predisposition; Hereditary neoplastic syndrome; Hereditary Cancer Syndrome. Identifiers: Orphanet 140162, MedGen C0027672, MeSH D009386, MONDO:0015356.

Allele frequency attached by ClinVar (database versions not stated): TOPMed 0.00001.
gnomAD v4.1: 2 of 1,613,522 alleles (0.00012%); highest among the groups gnomAD compares: Non-Finnish European, 0.00017%; no homozygotes.

Submissions (3):

Labcorp Genetics (formerly Invitae), Labcorp
Classification: Uncertain significance for Carney complex, type 1. Last evaluated: 2024-05-06. Review status: criteria provided, single submitter. Criteria: Invitae Variant Classification Sherloc (09022015). Collection method: clinical testing. Allele origin: germline.
Comment: This sequence change replaces alanine, which is neutral and non-polar, with glycine, which is neutral and non-polar, at codon 12 of the PRKAR1A protein (p.Ala12Gly). This variant is not present in population databases (gnomAD no frequency). This variant has not been reported in the literature in individuals affected with PRKAR1A-related conditions. ClinVar contains an entry for this variant (Variation ID: 660751). An algorithm developed to predict the effect of missense changes on protein structure and function (PolyPhen-2) suggests that this variant is likely to be tolerated. In summary, the available evidence is currently insufficient to determine the role of this variant in disease. Therefore, it has been classified as a Variant of Uncertain Significance.

Ambry Genetics
Classification: Uncertain significance for Hereditary cancer-predisposing syndrome. Last evaluated: 2024-03-02. Review status: criteria provided, single submitter. Criteria: Ambry Variant Classification Scheme 2023. Collection method: clinical testing. Allele origin: germline.
Comment: The p.A12G variant (also known as c.35C>G), located in coding exon 1 of the PRKAR1A gene, results from a C to G substitution at nucleotide position 35. The alanine at codon 12 is replaced by glycine, an amino acid with similar properties. This amino acid position is poorly conserved in available vertebrate species. In addition, the in silico prediction for this alteration is inconclusive. Since supporting evidence is limited at this time, the clinical significance of this alteration remains unclear.

GeneDx
Classification: Uncertain significance. Last evaluated: 2022-03-22. Review status: criteria provided, single submitter. Criteria: GeneDx Variant Classification Process June 2021. Collection method: clinical testing. Allele origin: germline. Affected: yes.
Comment: Not observed at significant frequency in large population cohorts (gnomAD); In silico analysis supports that this missense variant does not alter protein structure/function; Has not been previously published as pathogenic or benign to our knowledge